The following is an entry in ClinVar:

ClinVar aggregate classification (germline): Uncertain significance. Review status: criteria provided, multiple submitters, no conflicts (2 of 4 stars). 2 submissions from 2 submitters: Uncertain significance (2). Last evaluated 2025-09-02.

Conditions:
Inborn genetic diseases. Identifiers: MedGen C0950123, MeSH D030342.

Submissions (2):

Ambry Genetics
Classification: Uncertain significance for Inborn genetic diseases. Last evaluated: 2025-09-02. Review status: criteria provided, single submitter. Criteria: Ambry Variant Classification Scheme 2023. Collection method: clinical testing. Allele origin: germline.

Labcorp Genetics (formerly Invitae), Labcorp
Classification: Uncertain significance. Last evaluated: 2022-07-20. Review status: criteria provided, single submitter. Criteria: Invitae Variant Classification Sherloc (09022015). Collection method: clinical testing. Allele origin: germline.
Comment: In summary, the available evidence is currently insufficient to determine the role of this variant in disease. Therefore, it has been classified as a Variant of Uncertain Significance. Algorithms developed to predict the effect of missense changes on protein structure and function output the following: SIFT: "Tolerated"; PolyPhen-2: "Benign"; Align-GVGD: "Class C0". The lysine amino acid residue is found in multiple mammalian species, which suggests that this missense change does not adversely affect protein function. This variant has not been reported in the literature in individuals affected with REN-related conditions. This variant is present in population databases (rs763928168, gnomAD 0.007%). This sequence change replaces glutamic acid, which is acidic and polar, with lysine, which is basic and polar, at codon 310 of the REN protein (p.Glu310Lys).

NM_000537.4(REN):c.928G>A (p.Glu310Lys)

Gene: REN (renin; minus strand). Cytogenetic location: 1q32.1.
Variant type: single nucleotide variant.
Coding change: c.928G>A on transcript NM_000537.4 (MANE Select); coding-DNA position 928, G replaced by A.
Protein change: p.Glu310Lys; replaces glutamic acid 310 with lysine.
Molecular consequence: missense variant.
Genome position (GRCh38, 1-based): chr1:204,156,210, C>T on the plus strand (G>A on the coding strand, the complement: REN is on the minus strand). VCF-style: chr1-204156210-C-T. GRCh37 (hg19) VCF-style: chr1-204125338-C-T.
Other names: c.928G>A (NM_000537.3); short protein forms E310K.
Identifiers: ClinVar variation 1897788 (VCV001897788.6), dbSNP rs763928168, ClinGen allele CA1344731.